The following is an entry in ClinVar:

NM_006231.4(POLE):c.5536AAG[1] (p.Lys1847del)

Gene: POLE (DNA polymerase epsilon, catalytic subunit; minus strand). Cytogenetic location: 12q24.33.
Variant type: Microsatellite.
Coding change: c.5536AAG[1] on transcript NM_006231.4 (MANE Select); one copy of the 3-base unit AAG starting at c.5536; the reference has two copies in a row; one copy, 3 bases deleted.
Protein change: p.Lys1847del; deletes lysine 1847.
Molecular consequence: inframe deletion.
Genome position (GRCh38, 1-based): chr12:132,639,136-132,639,138, CTT deleted on the plus strand (AAG on the coding strand, the reverse complement: POLE is on the minus strand); deleting any 3 consecutive bases within chr12:132,639,136-132,639,142 gives the same sequence; the position shown is the placement nearest the transcript's 3' end. VCF-style (leftmost placement, unchanged base first): chr12-132639135-GCTT-G. GRCh37 (hg19) VCF-style: chr12-133215721-GCTT-G.
Other names: c.5539_5541delAAG (NM_006231.3); short protein forms K1847del.
Identifiers: ClinVar variation 405780 (VCV000405780.12), dbSNP rs1060500844, ClinGen allele CA16613740.

ClinVar aggregate classification (germline): Uncertain significance. Review status: criteria provided, multiple submitters, no conflicts (2 of 4 stars). 2 submissions from 2 submitters: Uncertain significance (2). Last evaluated 2025-04-30.

Conditions:
Hereditary cancer-predisposing syndrome. Also called: Hereditary Cancer Syndrome; Hereditary neoplastic syndrome; Neoplastic Syndromes, Hereditary; Tumor predisposition. Identifiers: Orphanet 140162, MedGen C0027672, MeSH D009386, MONDO:0015356.

Submissions (2):

Ambry Genetics
Classification: Uncertain significance for Hereditary cancer-predisposing syndrome. Last evaluated: 2025-04-30. Review status: criteria provided, single submitter. Criteria: Ambry Variant Classification Scheme 2023. Collection method: clinical testing. Allele origin: germline.
Comment: The c.5539_5541delAAG variant (also known as p.K1847del) is located in coding exon 40 of the POLE gene. This variant results from an in-frame AAG deletion at nucleotide positions 5539 to 5541. This results in the in-frame deletion of a lysine at codon 1847. This amino acid position is highly conserved in available vertebrate species. In addition, this alteration is predicted to be deleterious by in silico analysis (Choi Y et al. PLoS ONE. 2012; 7(10):e46688). Based on the available evidence, the clinical significance of this variant remains unclear.

Labcorp Genetics (formerly Invitae), Labcorp
Classification: Uncertain significance. Last evaluated: 2016-09-27. Review status: criteria provided, single submitter. Criteria: Invitae Variant Classification Sherloc (09022015). Collection method: clinical testing. Allele origin: germline.
Comment: In summary, this variant is a novel in-frame deletion with uncertain impact on protein function. It has been classified as a Variant of Uncertain Significance. Experimental studies and prediction algorithms are not available for this variant, and the functional significance of the deleted amino acid is currently unknown. This variant is not present in population databases (ExAC no frequency) and has not been reported in the literature in individuals with a POLE-related disease. This sequence change deletes 3 nucleotides from exon 40 of the POLE mRNA (c.5539_5541delAAG). This leads to the deletion of 1 amino acid residue in the POLE protein (p.Lys1847del) but otherwise preserves the integrity of the reading frame.